The following is an entry in ClinVar:

NM_001354768.3(NRL):c.559C>A (p.Leu187Met)

Genes: NRL (neural retina leucine zipper; minus strand), LOC130055387 (ATAC-STARR-seq lymphoblastoid silent region 5620; plus strand). Cytogenetic location: 14q11.2.
Variant type: single nucleotide variant.
Coding change: c.559C>A on transcript NM_001354768.3 (MANE Select); coding-DNA position 559, C replaced by A.
Protein change: p.Leu187Met; replaces leucine 187 with methionine.
Molecular consequence: missense variant.
Genome position (GRCh38, 1-based): chr14:24,081,391, G>T on the plus strand (C>A on the coding strand, the complement: NRL is on the minus strand). VCF-style: chr14-24081391-G-T. GRCh37 (hg19) VCF-style: chr14-24550600-G-T.
Other names: c.559C>A, p.Leu187Met (NM_001354769.1, NM_006177.5); c.244C>A, p.Leu82Met (NM_001354770.2); short protein forms L187M, L82M.
Identifiers: ClinVar variation 1297094 (VCV001297094.8), dbSNP rs35984106, ClinGen allele CA257868076.
Genomic context (GRCh38, chr14:24,081,391, plus strand): 5'-GGGCCACCTCGGCCCGCAGCGCGTCCAGCTGGGCGGCCAGGCGGGCGCGCTCGGCCTCCA[G>T]CCCGCGCCGCTGCTGCAGCCGCTTGGAGCGACAGGCCTGCGCGTAGCCGCGGTTCTTCAG-3'
Protein context (NP_001341697.1, residues 177-197): RSKRLQQRRG[Leu187Met]EAERARLAAQ

ClinVar aggregate classification (germline): Uncertain significance. Review status: criteria provided, multiple submitters, no conflicts (2 of 4 stars). 4 submissions from 4 submitters: Uncertain significance (4). Last evaluated 2025-11-07.

Conditions:
Inborn genetic diseases. Identifiers: MedGen C0950123, MeSH D030342.
NRL-related disorder. Also called: NRL-related condition.
Retinitis pigmentosa (RP). Identifiers: Orphanet 791, MedGen C0035334, MeSH D012174, MONDO:0019200, OMIM 268000. Inheritance: Autosomal dominant, autosomal recessive and X linked inheritance.

Allele frequency attached by ClinVar (database versions not stated): TOPMed below 0.00001.

Submissions (4):

Ambry Genetics
Classification: Uncertain significance for Inborn genetic diseases. Last evaluated: 2025-11-07. Review status: criteria provided, single submitter. Criteria: Ambry Variant Classification Scheme 2023. Collection method: clinical testing. Allele origin: germline.

PreventionGenetics, part of Exact Sciences
Classification: Uncertain significance for NRL-related condition. Last evaluated: 2025-09-25. Review status: criteria provided, single submitter. Criteria: ACMG Guidelines, 2015. Collection method: clinical testing. Allele origin: germline.
Comment: The NRL c.559C>A variant is predicted to result in the amino acid substitution p.Leu187Met. To our knowledge, this variant has not been reported in the literature. This variant is absent in a large population database (gnomAD), indicating this variant is rare. At this time, the clinical significance of this variant is uncertain due to the absence of conclusive functional and genetic evidence.

Labcorp Genetics (formerly Invitae), Labcorp
Classification: Uncertain significance. Last evaluated: 2022-11-20. Review status: criteria provided, single submitter. Criteria: Invitae Variant Classification Sherloc (09022015). Collection method: clinical testing. Allele origin: germline.
Comment: In summary, the available evidence is currently insufficient to determine the role of this variant in disease. Therefore, it has been classified as a Variant of Uncertain Significance. Algorithms developed to predict the effect of missense changes on protein structure and function are either unavailable or do not agree on the potential impact of this missense change (SIFT: "Tolerated"; PolyPhen-2: "Probably Damaging"; Align-GVGD: "Class C0"). ClinVar contains an entry for this variant (Variation ID: 1297094). This variant has not been reported in the literature in individuals affected with NRL-related conditions. This variant is not present in population databases (gnomAD no frequency). This sequence change replaces leucine, which is neutral and non-polar, with methionine, which is neutral and non-polar, at codon 187 of the NRL protein (p.Leu187Met).

Broad Center for Mendelian Genomics, Broad Institute of MIT and Harvard
Classification: Uncertain significance for Retinitis pigmentosa. Last evaluated: 2021-04-01. Review status: criteria provided, single submitter. Criteria: ACMG Guidelines, 2015. Collection method: curation. Allele origin: germline. Inheritance: Autosomal dominant inheritance. Affected: yes.
Comment: Through a review of available evidence we were able to apply the following criteria: PM2, PP3. Based on this evidence we have classified this variant as a Variant of Uncertain Significance. If you have any questions about the classification please reach out to the Pierce Lab.

Literature cited by the submitters: PubMed 34906470 (cited by Broad Center for Mendelian Genomics, Broad Institute of MIT and Harvard).